The following is an entry in ClinVar:

NM_005591.4(MRE11):c.1834G>C (p.Val612Leu)

Gene: MRE11 (MRE11 double strand break repair nuclease; minus strand). Cytogenetic location: 11q21.
Variant type: single nucleotide variant.
Coding change: c.1834G>C on transcript NM_005591.4 (MANE Select); coding-DNA position 1834, G replaced by C.
Protein change: p.Val612Leu; replaces valine 612 with leucine.
Molecular consequence: missense variant. On other transcripts: intron variant (1).
Genome position (GRCh38, 1-based): chr11:94,445,843, C>G on the plus strand (G>C on the coding strand, the complement: MRE11 is on the minus strand). VCF-style: chr11-94445843-C-G. GRCh37 (hg19) VCF-style: chr11-94179009-C-G.
Other names: c.1831G>C, p.Val611Leu (NM_001330347.2); c.1783+1376G>C (NM_005590.4); short protein forms V612L, V611L.
Identifiers: ClinVar variation 185389 (VCV000185389.12), dbSNP rs371719012, ClinGen allele CA191790.

ClinVar aggregate classification (germline): Uncertain significance. Review status: criteria provided, multiple submitters, no conflicts (2 of 4 stars). 2 submissions from 2 submitters: Uncertain significance (2). Last evaluated 2025-12-22.

Conditions:
Ataxia-telangiectasia-like disorder (ATLD). Identifiers: MedGen C1858391, MONDO:0011457.
Hereditary cancer-predisposing syndrome. Also called: Tumor predisposition; Hereditary neoplastic syndrome; Neoplastic Syndromes, Hereditary; Hereditary Cancer Syndrome. Identifiers: Orphanet 140162, MedGen C0027672, MeSH D009386, MONDO:0015356.

Allele frequency attached by ClinVar (database versions not stated): gnomAD 0.00003; TOPMed 0.00002.
gnomAD v4.1: 58 of 1,613,616 alleles (0.0036%); highest among the groups gnomAD compares: Non-Finnish European, 0.0048%; no homozygotes.

Submissions (2):

Ambry Genetics
Classification: Uncertain significance for Hereditary cancer-predisposing syndrome. Last evaluated: 2025-12-22. Review status: criteria provided, single submitter. Criteria: Ambry Variant Classification Scheme 2023. Collection method: clinical testing. Allele origin: germline.
Comment: The p.V612L variant (also known as c.1834G>C), located in coding exon 15 of the MRE11A gene, results from a G to C substitution at nucleotide position 1834. The valine at codon 612 is replaced by leucine, an amino acid with highly similar properties. This amino acid position is poorly conserved in available vertebrate species. In addition, this alteration is predicted to be tolerated by in silico analysis. Since supporting evidence is limited at this time, the clinical significance of this alteration remains unclear.

Labcorp Genetics (formerly Invitae), Labcorp
Classification: Uncertain significance for Ataxia-telangiectasia-like disorder. Last evaluated: 2022-09-13. Review status: criteria provided, single submitter. Criteria: Invitae Variant Classification Sherloc (09022015). Collection method: clinical testing. Allele origin: germline.
Comment: This sequence change replaces valine, which is neutral and non-polar, with leucine, which is neutral and non-polar, at codon 612 of the MRE11 protein (p.Val612Leu). This variant is present in population databases (rs371719012, gnomAD 0.004%). This variant has not been reported in the literature in individuals affected with MRE11-related conditions. ClinVar contains an entry for this variant (Variation ID: 185389). Algorithms developed to predict the effect of missense changes on protein structure and function (SIFT, PolyPhen-2, Align-GVGD) all suggest that this variant is likely to be tolerated. In summary, the available evidence is currently insufficient to determine the role of this variant in disease. Therefore, it has been classified as a Variant of Uncertain Significance.